The following is an entry in ClinVar:

ClinVar aggregate classification (germline): Uncertain significance (1 of 4 stars; one submission).

Conditions:
Hereditary cancer-predisposing syndrome. Also called: Hereditary neoplastic syndrome; Neoplastic Syndromes, Hereditary; Tumor predisposition; Hereditary Cancer Syndrome. Identifiers: Orphanet 140162, MedGen C0027672, MeSH D009386, MONDO:0015356.

Submission:

Ambry Genetics
Classification: Uncertain significance for Hereditary cancer-predisposing syndrome. Last evaluated: 2025-08-27. Review status: criteria provided, single submitter. Criteria: Ambry Variant Classification Scheme 2023. Collection method: clinical testing. Allele origin: germline.
Comment: The p.A91G variant (also known as c.272C>G), located in coding exon 3 of the MUTYH gene, results from a C to G substitution at nucleotide position 272. The alanine at codon 91 is replaced by glycine, an amino acid with similar properties. This amino acid position is conserved. In addition, this alteration is predicted to be tolerated by in silico analysis. Based on the available evidence, the clinical significance of this variant remains unclear.

NM_001048174.2(MUTYH):c.188C>G (p.Ala63Gly)

Gene: MUTYH (mutY DNA glycosylase; minus strand). Cytogenetic location: 1p34.1.
Variant type: single nucleotide variant.
Coding change: c.188C>G on transcript NM_001048174.2 (MANE Select); coding-DNA position 188, C replaced by G.
Protein change: p.Ala63Gly; replaces alanine 63 with glycine.
Molecular consequence: missense variant. On other transcripts: 5 prime UTR variant (6), non-coding transcript variant (7).
Genome position (GRCh38, 1-based): chr1:45,333,489, G>C on the plus strand (C>G on the coding strand, the complement: MUTYH is on the minus strand). VCF-style: chr1-45333489-G-C. GRCh37 (hg19) VCF-style: chr1-45799161-G-C.
Other names: c.188C>G, p.Ala63Gly (NM_001048171.2, NM_001048173.2, NM_001293195.2 and 6 more transcripts); c.191C>G, p.Ala64Gly (NM_001048172.2, NM_001407071.1, NM_001407078.1 and 2 more transcripts); c.272C>G, p.Ala91Gly (NM_001128425.2); c.233C>G, p.Ala78Gly (NM_001293190.2); c.221C>G, p.Ala74Gly (NM_001293191.2, NM_001407077.1); c.-89C>G (NM_001293192.2, NM_001293196.2, NM_001407091.1); c.-84C>G (NM_001350650.2, NM_001350651.2, NM_001407082.1); c.263C>G, p.Ala88Gly (NM_001407069.1, NM_012222.3); and 3 more; short protein forms A64G, A74G, A91G, A35G, A78G, A63G, A70G, A77G.
Identifiers: ClinVar variation 4113567 (VCV004113567.1).